The following is an entry in ClinVar:

ClinVar aggregate classification (germline): Conflicting classifications of pathogenicity. Review status: criteria provided, conflicting classifications (1 of 4 stars). 2 submissions from 2 submitters: Pathogenic (1); Uncertain significance (1). Last evaluated 2024-03-05.

Conditions:
Arrhythmogenic right ventricular dysplasia 10. Also called: ARRHYTHMOGENIC RIGHT VENTRICULAR DYSPLASIA, FAMILIAL, 10; Arrhythmogenic Right Ventricular Dysplasia/Cardiomyopathy10; Arrhythmogenic right ventricular dysplasia/cardiomyopathy, type 10. Identifiers: MedGen C1857777, MONDO:0012434, OMIM 610193.
Arrhythmogenic right ventricular cardiomyopathy (ARVD). Also called: Arrhythmogenic right ventricular dysplasia; Cardiomyopathy, ARVC; Arrhythmogenic cardiomyopathy; Arrhythmogenic Right Ventricular Cardiomyopathy (ARVC). Identifiers: Orphanet 247, MedGen C0349788, MeSH D019571, MONDO:0016587. Disease mechanism: loss of function. Inheritance: Various modes of inheritance.

Allele frequency attached by ClinVar (database versions not stated): gnomAD exomes below 0.00001.

Submissions (2):

All of Us Research Program, National Institutes of Health
Classification: Uncertain significance for Arrhythmogenic right ventricular cardiomyopathy. Last evaluated: 2024-03-05. Review status: criteria provided, single submitter. Criteria: ACMG Guidelines, 2015. Collection method: clinical testing. Allele origin: germline. Inheritance: Autosomal dominant inheritance. Observed: 1 variant allele, 1 heterozygote.
Comment: This study involves interpretation of variants in research participants for the purpose of population health screening. Participant phenotype was not available at the time of variant classification. Additional details can be found in publication PMID: 35346344, PMCID: PMC8962531

Labcorp Genetics (formerly Invitae), Labcorp
Classification: Pathogenic for Arrhythmogenic right ventricular dysplasia 10. Last evaluated: 2023-10-18. Review status: criteria provided, single submitter. Criteria: Invitae Variant Classification Sherloc (09022015). Collection method: clinical testing. Allele origin: germline.
Comment: This sequence change creates a premature translational stop signal (p.Gln285*) in the DSG2 gene. It is expected to result in an absent or disrupted protein product. Loss-of-function variants in DSG2 are known to be pathogenic (PMID: 17105751, 31386562). This variant is not present in population databases (gnomAD no frequency). This variant has not been reported in the literature in individuals affected with DSG2-related conditions. For these reasons, this variant has been classified as Pathogenic.

Literature cited by the submitters: PubMed 17105751 (cited by Labcorp Genetics (formerly Invitae), Labcorp); PubMed 31386562 (cited by Labcorp Genetics (formerly Invitae), Labcorp).

NM_001943.5(DSG2):c.853C>T (p.Gln285Ter)

Gene: DSG2 (desmoglein 2; plus strand). Cytogenetic location: 18q12.1.
Variant type: single nucleotide variant.
Coding change: c.853C>T on transcript NM_001943.5 (MANE Select); coding-DNA position 853, C replaced by T.
Protein change: p.Gln285Ter; replaces glutamine 285 with a stop codon.
Molecular consequence: nonsense.
Genome position (GRCh38, 1-based): chr18:31,524,727, C>T. VCF-style: chr18-31524727-C-T. GRCh37 (hg19) VCF-style: chr18-29104690-C-T.
Other names: short protein forms Q285*.
Identifiers: ClinVar variation 2807637 (VCV002807637.4), dbSNP rs781415014, ClinGen allele CA402135451.